The following is an entry in ClinVar:

NM_001111.5(ADAR):c.2203G>A (p.Ala735Thr)

Gene: ADAR (adenosine deaminase RNA specific; minus strand). Cytogenetic location: 1q21.3.
Variant type: single nucleotide variant.
Coding change: c.2203G>A on transcript NM_001111.5 (MANE Select); coding-DNA position 2203, G replaced by A.
Protein change: p.Ala735Thr; replaces alanine 735 with threonine.
Molecular consequence: missense variant.
Genome position (GRCh38, 1-based): chr1:154,596,872, C>T on the plus strand (G>A on the coding strand, the complement: ADAR is on the minus strand). VCF-style: chr1-154596872-C-T. GRCh37 (hg19) VCF-style: chr1-154569348-C-T.
Other names: c.2230G>A, p.Ala744Thr (NM_001365045.1); c.1318G>A, p.Ala440Thr (NM_001365046.1, NM_001365047.1, NM_001365048.1 and 3 more transcripts); c.2203G>A, p.Ala735Thr (NM_015840.4); c.2146G>A, p.Ala716Thr (NM_015841.4); c.2203G>A (NM_001111.4); short protein forms A716T, A735T, A744T, A440T.
Identifiers: ClinVar variation 1434141 (VCV001434141.8), dbSNP rs2101619399, ClinGen allele CA342637786.

ClinVar aggregate classification (germline): Uncertain significance. Review status: criteria provided, multiple submitters, no conflicts (2 of 4 stars). 2 submissions from 2 submitters: Uncertain significance (2). Last evaluated 2023-06-02.

Conditions:
Aicardi-Goutieres syndrome 6 (AGS6). Identifiers: Orphanet 51, MedGen C3539013, MONDO:0014007, OMIM 615010.
Symmetrical dyschromatosis of extremities (DSH). Also called: SYMMETRIC DYSCHROMATOSIS OF THE EXTREMITIES; Dyschromatosis symmetrica hereditaria; DYSCHROMATOSIS SYMMETRICA HEREDITARIA 1; RETICULATE ACROPIGMENTATION OF DOHI. Identifiers: Orphanet 41, MedGen C0406775, MONDO:0007483, OMIM 127400.
ADAR-related disorder. Also called: ADAR-related disorders; ADAR-related condition.

gnomAD v4.1: 3 of 1,614,106 alleles (0.00019%); highest among the groups gnomAD compares: East Asian, 0.0022%; no homozygotes.

Submissions (2):

PreventionGenetics, part of Exact Sciences
Classification: Uncertain significance for ADAR-related condition. Last evaluated: 2023-06-02. Review status: criteria provided, single submitter. Criteria: ACMG Guidelines, 2015. Collection method: clinical testing. Allele origin: germline.
Comment: The ADAR c.2203G>A variant is predicted to result in the amino acid substitution p.Ala735Thr. To our knowledge, this variant has not been reported in the literature or in a large population database, indicating this variant is rare. At this time, the clinical significance of this variant is uncertain due to the absence of conclusive functional and genetic evidence.

Labcorp Genetics (formerly Invitae), Labcorp
Classification: Uncertain significance for Aicardi-Goutieres syndrome 6; Symmetrical dyschromatosis of extremities. Last evaluated: 2022-07-06. Review status: criteria provided, single submitter. Criteria: Invitae Variant Classification Sherloc (09022015). Collection method: clinical testing. Allele origin: germline.
Comment: In summary, the available evidence is currently insufficient to determine the role of this variant in disease. Therefore, it has been classified as a Variant of Uncertain Significance. This sequence change replaces alanine, which is neutral and non-polar, with threonine, which is neutral and polar, at codon 735 of the ADAR protein (p.Ala735Thr). This variant is not present in population databases (gnomAD no frequency). This variant has not been reported in the literature in individuals affected with ADAR-related conditions. ClinVar contains an entry for this variant (Variation ID: 1434141). Algorithms developed to predict the effect of missense changes on protein structure and function are either unavailable or do not agree on the potential impact of this missense change (SIFT: "Tolerated"; PolyPhen-2: "Probably Damaging"; Align-GVGD: "Class C0").